The following is an entry in ClinVar:

NM_015057.5(MYCBP2):c.2412T>C (p.Gly804=)

Gene: MYCBP2 (MYC binding protein 2; minus strand). Cytogenetic location: 13q22.3.
Variant type: single nucleotide variant.
Coding change: c.2412T>C on transcript NM_015057.5 (MANE Select); coding-DNA position 2412, T replaced by C.
Protein change: p.Gly804=; no amino-acid change (glycine 804 retained).
Molecular consequence: synonymous variant.
Genome position (GRCh38, 1-based): chr13:77,243,921, A>G on the plus strand (T>C on the coding strand, the complement: MYCBP2 is on the minus strand). VCF-style: chr13-77243921-A-G. GRCh37 (hg19) VCF-style: chr13-77818056-A-G.
Identifiers: ClinVar variation 3040679 (VCV003040679.2), dbSNP rs544604766, ClinGen allele CA7010241.
Genomic context (GRCh38, chr13:77,243,921, plus strand): 5'-TCTTGCCTCTTGACCATCTAACTCTCTTGCACAGGCCTTGCAACATCCACACACAGCACA[A>G]CCAGATTCTCCGGAACCACAACCACAGATCCTAGGGGGAAATACAAAAAAAAAAAAAAAA-3'
Protein context (NP_055872.4, residues 794-814): GICGCGSGES[Gly804=]CAVCGCCKAC

ClinVar aggregate classification (germline): Likely benign (0 of 4 stars; one submission).

Conditions:
MYCBP2-related disorder. Also called: MYCBP2-related condition.

Allele frequency attached by ClinVar (database versions not stated): TOPMed 0.00002; gnomAD 0.00006; gnomAD exomes 0.00014; 1000 Genomes Project 0.00020; ExAC 0.00029.
gnomAD v4.1: 214 of 1,594,972 alleles (0.013%); highest among the groups gnomAD compares: South Asian, 0.22%; 3 homozygotes.

Submission:

PreventionGenetics, part of Exact Sciences
Classification: Likely benign for MYCBP2-related condition. Last evaluated: 2019-12-30. Review status: no assertion criteria provided. Collection method: clinical testing. Allele origin: germline.
Comment: This variant is classified as likely benign based on ACMG/AMP sequence variant interpretation guidelines (Richards et al. 2015 PMID: 25741868, with internal and published modifications).